The following is an entry in ClinVar:

ClinVar aggregate classification (germline): Likely benign (1 of 4 stars; one submission).

Submission:

CeGaT Center for Human Genetics Tuebingen
Classification: Likely benign. Last evaluated: 2022-07-01. Review status: criteria provided, single submitter. Criteria: CeGaT Center For Human Genetics Tuebingen Variant Classification Criteria Version 2. Collection method: clinical testing. Allele origin: germline. Affected: yes. Observed: 1 variant allele.
Comment: SBF2: PM2:Supporting, BP4, BP7

NM_030962.4(SBF2):c.2307A>G (p.Leu769=)

Genes: SBF2 (SET binding factor 2; minus strand), LOC101928008 (uncharacterized LOC101928008; plus strand). Cytogenetic location: 11p15.4.
Variant type: single nucleotide variant.
Coding change: c.2307A>G on transcript NM_030962.4 (MANE Select); coding-DNA position 2307, A replaced by G.
Protein change: p.Leu769=; no amino-acid change (leucine 769 retained).
Molecular consequence: synonymous variant.
Genome position (GRCh38, 1-based): chr11:9,856,514, T>C on the plus strand (A>G on the coding strand, the complement: SBF2 is on the minus strand). VCF-style: chr11-9856514-T-C. GRCh37 (hg19) VCF-style: chr11-9878061-T-C.
Other names: c.2307A>G, p.Leu769= (NM_001386339.1); c.2178A>G, p.Leu726= (NM_001386342.1); c.2343A>G, p.Leu781= (NM_001424318.1).
Identifiers: ClinVar variation 2641594 (VCV002641594.24), dbSNP rs1857324780, ClinGen allele CA473255545.